The following is an entry in ClinVar:

ClinVar aggregate classification (germline): Likely benign (1 of 4 stars; one submission).

Allele frequency attached by ClinVar (database versions not stated): 1000 Genomes Project 30x 0.00031; 1000 Genomes Project 0.00040; TOPMed 0.00077; ESP Exome Variant Server 0.00110; ExAC 0.00135; gnomAD exomes 0.00049; gnomAD 0.00064.
gnomAD v4.1: 831 of 1,551,666 alleles (0.054%); highest among the groups gnomAD compares: Middle Eastern, 0.38%; 3 homozygotes.

Submission:

CeGaT Center for Human Genetics Tuebingen
Classification: Likely benign. Last evaluated: 2023-01-01. Review status: criteria provided, single submitter. Criteria: CeGaT Center For Human Genetics Tuebingen Variant Classification Criteria Version 2. Collection method: clinical testing. Allele origin: germline. Affected: yes. Observed: 1 variant allele.
Comment: ERICH6B: BP4, BP7

NM_182542.3(ERICH6B):c.654T>C (p.Tyr218=)

Gene: ERICH6B (glutamate rich 6B; minus strand). Cytogenetic location: 13q14.13.
Variant type: single nucleotide variant.
Coding change: c.654T>C on transcript NM_182542.3 (MANE Select); coding-DNA position 654, T replaced by C.
Protein change: p.Tyr218=; no amino-acid change (tyrosine 218 retained).
Molecular consequence: synonymous variant.
Genome position (GRCh38, 1-based): chr13:45,590,681, A>G on the plus strand (T>C on the coding strand, the complement: ERICH6B is on the minus strand). VCF-style: chr13-45590681-A-G. GRCh37 (hg19) VCF-style: chr13-46164816-A-G.
Identifiers: ClinVar variation 2643801 (VCV002643801.24), dbSNP rs369115067, ClinGen allele CA6973036.